The following is an entry in ClinVar:

NM_003978.5(PSTPIP1):c.1116G>A (p.Ala372=)

Gene: PSTPIP1 (proline-serine-threonine phosphatase interacting protein 1; plus strand). Cytogenetic location: 15q24.3.
Variant type: single nucleotide variant.
Coding change: c.1116G>A on transcript NM_003978.5 (MANE Select); coding-DNA position 1116, G replaced by A.
Protein change: p.Ala372=; no amino-acid change (alanine 372 retained).
Molecular consequence: synonymous variant. On other transcripts: non-coding transcript variant (1).
Genome position (GRCh38, 1-based): chr15:77,035,932, G>A. VCF-style: chr15-77035932-G-A. GRCh37 (hg19) VCF-style: chr15-77328273-G-A.
Other names: p.A372A:GCG>GCA; c.1059G>A, p.Ala353= (NM_001321135.2); c.1089G>A, p.Ala363= (NM_001321136.2); c.1311G>A, p.Ala437= (NM_001321137.1).
Identifiers: ClinVar variation 138831 (VCV000138831.14), dbSNP rs369835681, ClinGen allele CA292949.

ClinVar aggregate classification (germline): Benign/Likely benign. Review status: criteria provided, multiple submitters, no conflicts (2 of 4 stars). 4 submissions from 4 submitters: Benign (2); Likely benign (2). Last evaluated 2025-10-08.

Conditions:
Autoinflammatory syndrome. Identifiers: Orphanet 93665, MedGen C3890737, MONDO:0019751.
Pyogenic arthritis-pyoderma gangrenosum-acne syndrome (PAPA). Also called: FAMILIAL RECURRENT ARTHRITIS; PAPA SYNDROME. Identifiers: Orphanet 69126, MedGen C1858361, MONDO:0011462, OMIM 604416.

Allele frequency attached by ClinVar (database versions not stated): gnomAD exomes 0.00008 and 0.00016; TOPMed 0.00009; gnomAD 0.00011; 1000 Genomes Project 30x 0.00016; ESP Exome Variant Server 0.00016; ExAC 0.00024.
gnomAD v4.1: 131 of 1,598,584 alleles (0.0082%); highest among the groups gnomAD compares: East Asian, 0.072%; no homozygotes.

Submissions (4):

Labcorp Genetics (formerly Invitae), Labcorp
Classification: Benign for Pyogenic arthritis-pyoderma gangrenosum-acne syndrome. Last evaluated: 2025-10-08. Review status: criteria provided, single submitter. Criteria: Invitae Variant Classification Sherloc (09022015). Collection method: clinical testing. Allele origin: germline.

Blueprint Genetics
Classification: Likely benign. Last evaluated: 2024-07-11. Review status: criteria provided, single submitter. Criteria: ACMG Guidelines, 2015. Collection method: clinical testing. Allele origin: germline.

Genome Diagnostics Laboratory, The Hospital for Sick Children
Classification: Likely benign for Autoinflammatory syndrome. Last evaluated: 2020-05-01. Review status: criteria provided, single submitter. Criteria: ACMG Guidelines, 2015. Collection method: clinical testing. Allele origin: germline. Affected: yes.

GeneDx
Classification: Benign. Last evaluated: 2011-12-09. Review status: criteria provided, single submitter. Criteria: GeneDx Variant Classification (06012015). Collection method: clinical testing. Allele origin: germline. Affected: yes.
Comment: This variant is considered likely benign or benign based on one or more of the following criteria: it is a conservative change, it occurs at a poorly conserved position in the protein, it is predicted to be benign by multiple in silico algorithms, and/or has population frequency not consistent with disease.